The following is an entry in ClinVar:

NM_007294.4(BRCA1):c.1763G>T (p.Ser588Ile)

Gene: BRCA1 (BRCA1 DNA repair associated; minus strand). Cytogenetic location: 17q21.31.
Variant type: single nucleotide variant.
Coding change: c.1763G>T on transcript NM_007294.4 (MANE Select); coding-DNA position 1763, G replaced by T.
Protein change: p.Ser588Ile; replaces serine 588 with isoleucine.
Molecular consequence: missense variant. On other transcripts: intron variant (137).
Genome position (GRCh38, 1-based): chr17:43,093,768, C>A on the plus strand (G>T on the coding strand, the complement: BRCA1 is on the minus strand). VCF-style: chr17-43093768-C-A. GRCh37 (hg19) VCF-style: chr17-41245785-C-A.
Other names: c.523+976G>T (NM_001408499.1, NM_001408498.1, NM_001408501.1 and 3 more transcripts); c.670+2078G>T (NM_001408422.1, NM_001408418.1, NM_001408423.1 and 2 more transcripts); c.706+976G>T (NM_001408416.1, NM_001408413.1); c.577+976G>T (NM_001408484.1, NM_001408478.1, NM_001408481.1 and 9 more transcripts); c.661+976G>T (NM_001408450.1, NM_001408434.1, NM_001408446.1 and 6 more transcripts); c.784+976G>T (NM_001408398.1, NM_001407992.1, NM_001408397.1 and 13 more transcripts); c.664+976G>T (NM_001408440.1, NM_001408428.1, NM_001408436.1 and 12 more transcripts); c.787+976G>T (NM_001407981.1, NM_007298.4, NM_001407978.1 and 19 more transcripts); and 40 more; short protein forms S420I, S461I, S476I, S500I, S588I, S460I, S477I, S517I.
Identifiers: ClinVar variation 2829259 (VCV002829259.3), dbSNP rs2552198816, ClinGen allele CA10598500.

ClinVar aggregate classification (germline): Uncertain significance (1 of 4 stars; one submission).

Conditions:
Hereditary breast ovarian cancer syndrome. Also called: Hereditary breast and ovarian cancer; BRCA1- and BRCA2-Associated Hereditary Breast and Ovarian Cancer; Hereditary breast and ovarian cancer syndrome; Hereditary breast and ovarian cancer syndrome (HBOC); Breast and ovarian cancer; Hereditary breast and/or ovarian cancer syndrome. Identifiers: Orphanet 145, MedGen C0677776, MeSH D061325, MONDO:0003582. Disease mechanism: loss of function.

Submission:

Labcorp Genetics (formerly Invitae), Labcorp
Classification: Uncertain significance for Hereditary breast ovarian cancer syndrome. Last evaluated: 2023-01-17. Review status: criteria provided, single submitter. Criteria: Invitae Variant Classification Sherloc (09022015). Collection method: clinical testing. Allele origin: germline.
Comment: In summary, the available evidence is currently insufficient to determine the role of this variant in disease. Therefore, it has been classified as a Variant of Uncertain Significance. Advanced modeling of protein sequence and biophysical properties (such as structural, functional, and spatial information, amino acid conservation, physicochemical variation, residue mobility, and thermodynamic stability) performed at Invitae indicates that this missense variant is not expected to disrupt BRCA1 protein function. This missense change has been observed in individual(s) with breast, ovarian, and/or pancreatic cancer (PMID: 34026625). This variant is not present in population databases (gnomAD no frequency). This sequence change replaces serine, which is neutral and polar, with isoleucine, which is neutral and non-polar, at codon 588 of the BRCA1 protein (p.Ser588Ile).

Literature cited by the submitters: PubMed 34026625.